The following is an entry in ClinVar:

NM_138576.4(BCL11B):c.1032C>G (p.Ala344=)

Gene: BCL11B (BCL11 transcription factor B; minus strand). Cytogenetic location: 14q32.2.
Variant type: single nucleotide variant.
Coding change: c.1032C>G on transcript NM_138576.4 (MANE Select); coding-DNA position 1032, C replaced by G.
Protein change: p.Ala344=; no amino-acid change (alanine 344 retained).
Molecular consequence: synonymous variant.
Genome position (GRCh38, 1-based): chr14:99,175,804, G>C on the plus strand (C>G on the coding strand, the complement: BCL11B is on the minus strand). VCF-style: chr14-99175804-G-C. GRCh37 (hg19) VCF-style: chr14-99642141-G-C.
Other names: c.819C>G (NM_022898.2); c.1029C>G, p.Ala343= (NM_001282237.2); c.816C>G, p.Ala272= (NM_001282238.2); c.819C>G, p.Ala273= (NM_022898.3).
Identifiers: ClinVar variation 713998 (VCV000713998.6), dbSNP rs1011254015, ClinGen allele CA266106176.
Genomic context (GRCh38, chr14:99,175,804, plus strand): 5'-CGAGAAGTCCATGGCGGGCGAGTCGATGGCCATGGGGTTCAGGCGCATGACTCGGTCGAA[G>C]GCACTGGGGTGCTGGGCGACGAGCCCCATCTCCTCGGCACTGAGGCGGTGCGGGTCCAGG-3'
Protein context (NP_612808.1, residues 334-354): EMGLVAQHPS[Ala344=]FDRVMRLNPM

ClinVar aggregate classification (germline): Conflicting classifications of pathogenicity. Review status: criteria provided, conflicting classifications (1 of 4 stars). 2 submissions from 2 submitters: Uncertain significance (1); Likely benign (1). Last evaluated 2024-10-27.

Conditions:
BCL11B-related disorder. Also called: BCL11B-Related Disorders.

Allele frequency attached by ClinVar (database versions not stated): gnomAD 0.00001; TOPMed 0.00001; gnomAD exomes 0.00001.
gnomAD v4.1: 13 of 1,473,300 alleles (0.00088%); highest among the groups gnomAD compares: Non-Finnish European, 0.0012%; no homozygotes.

Submissions (2):

Labcorp Genetics (formerly Invitae), Labcorp
Classification: Likely benign. Last evaluated: 2024-10-27. Review status: criteria provided, single submitter. Criteria: Invitae Variant Classification Sherloc (09022015). Collection method: clinical testing. Allele origin: germline.

PreventionGenetics, part of Exact Sciences
Classification: Uncertain significance for BCL11B-related condition. Last evaluated: 2022-11-09. Review status: criteria provided, single submitter. Criteria: ACMG Guidelines, 2015. Collection method: clinical testing. Allele origin: germline.
Comment: The BCL11B c.819C>G variant is not predicted to result in an amino acid change (p.=). This variant is not predicted to alter splicing based on available splicing prediction program (Alamut Visual Plus v1.6.1). However, such computer prediction programs are imperfect. To our knowledge, this variant has not been reported in the literature or in a large population database, indicating this variant is rare. Although we suspect that this variant may be benign, at this time, the clinical significance of this variant is uncertain due to the absence of conclusive functional and genetic evidence.